The following is an entry in ClinVar:

NM_001394062.1(MACF1):c.18866C>T (p.Thr6289Met)

Gene: MACF1 (microtubule actin crosslinking factor 1; plus strand). Cytogenetic location: 1p34.3.
Variant type: single nucleotide variant.
Coding change: c.18866C>T on transcript NM_001394062.1 (MANE Select); coding-DNA position 18866, C replaced by T.
Protein change: p.Thr6289Met; replaces threonine 6289 with methionine.
Molecular consequence: missense variant.
Genome position (GRCh38, 1-based): chr1:39,442,238, C>T. VCF-style: chr1-39442238-C-T. GRCh37 (hg19) VCF-style: chr1-39907910-C-T.
Other names: c.12689C>T, p.Thr4230Met (NM_012090.5); short protein forms T4230M, T6289M.
Identifiers: ClinVar variation 1342449 (VCV001342449.2), dbSNP rs377031601, ClinGen allele CA783983.

ClinVar aggregate classification (germline): Uncertain significance. Review status: criteria provided, single submitter (1 of 4 stars). 2 submissions from 2 submitters: Uncertain significance (1). 1 of the submissions does not count toward it. Last evaluated 2021-03-26.

Conditions:
Lissencephaly 9 with complex brainstem malformation. Identifiers: Orphanet 572013, MedGen C5193029, MONDO:0032677, OMIM 618325.
MACF1-related disorder. Also called: MACF1-related condition.

Allele frequency attached by ClinVar (database versions not stated): ExAC 0.00001; gnomAD 0.00001; gnomAD exomes 0.00002; TOPMed 0.00003; ESP Exome Variant Server 0.00008.
gnomAD v4.1: 45 of 1,609,812 alleles (0.0028%); highest among the groups gnomAD compares: Non-Finnish European, 0.0034%; no homozygotes.

Submissions (2):

New York Genome Center
Classification: Uncertain significance for Lissencephaly 9 with complex brainstem malformation. Last evaluated: 2021-03-26. Review status: criteria provided, single submitter. Criteria: NYGC Assertion Criteria 2020. Collection method: clinical testing. Allele origin: inherited. Observed: 1 heterozygote. Study: CSER-NYCKidSeq.

PreventionGenetics, part of Exact Sciences
Classification: Likely benign for MACF1-related condition. Last evaluated: 2024-08-14. Review status: no assertion criteria provided. Collection method: clinical testing. Allele origin: germline. Not counted in ClinVar's aggregate classification.
Comment: This variant is classified as likely benign based on ACMG/AMP sequence variant interpretation guidelines (Richards et al. 2015 PMID: 25741868, with internal and published modifications).